The following is an entry in ClinVar:

ClinVar aggregate classification (germline): Uncertain significance (1 of 4 stars; one submission).

Allele frequency attached by ClinVar (database versions not stated): gnomAD exomes below 0.00001.
gnomAD v4.1: 1 of 1,611,200 alleles (0.000062%); highest among the groups gnomAD compares: Non-Finnish European, 0.000085%; no homozygotes.

Submission:

Labcorp Genetics (formerly Invitae), Labcorp
Classification: Uncertain significance. Last evaluated: 2022-10-18. Review status: criteria provided, single submitter. Criteria: Invitae Variant Classification Sherloc (09022015). Collection method: clinical testing. Allele origin: germline.
Comment: This sequence change replaces glutamic acid, which is acidic and polar, with alanine, which is neutral and non-polar, at codon 292 of the ABRAXAS1 protein (p.Glu292Ala). This variant is not present in population databases (gnomAD no frequency). This variant has not been reported in the literature in individuals affected with ABRAXAS1-related conditions. ClinVar contains an entry for this variant (Variation ID: 649986). Advanced modeling of protein sequence and biophysical properties (such as structural, functional, and spatial information, amino acid conservation, physicochemical variation, residue mobility, and thermodynamic stability) performed at Invitae indicates that this missense variant is not expected to disrupt ABRAXAS1 protein function. In summary, the available evidence is currently insufficient to determine the role of this variant in disease. Therefore, it has been classified as a Variant of Uncertain Significance.

NM_139076.3(ABRAXAS1):c.875A>C (p.Glu292Ala)

Gene: ABRAXAS1 (abraxas 1, BRCA1 A complex subunit; minus strand). Cytogenetic location: 4q21.23.
Variant type: single nucleotide variant.
Coding change: c.875A>C on transcript NM_139076.3 (MANE Select); coding-DNA position 875, A replaced by C.
Protein change: p.Glu292Ala; replaces glutamic acid 292 with alanine.
Molecular consequence: missense variant.
Genome position (GRCh38, 1-based): chr4:83,462,824, T>G on the plus strand (A>C on the coding strand, the complement: ABRAXAS1 is on the minus strand). VCF-style: chr4-83462824-T-G. GRCh37 (hg19) VCF-style: chr4-84383977-T-G.
Other names: c.548A>C, p.Glu183Ala (NM_001345962.2); short protein forms E292A, E183A.
Identifiers: ClinVar variation 649986 (VCV000649986.8), dbSNP rs1578122514, ClinGen allele CA357256412.